The following is an entry in ClinVar:

NM_001130009.3(GEN1):c.2173G>A (p.Gly725Arg)

Gene: GEN1 (GEN1 structure-specific endonuclease; plus strand). Cytogenetic location: 2p24.2.
Variant type: single nucleotide variant.
Coding change: c.2173G>A on transcript NM_001130009.3 (MANE Select); coding-DNA position 2173, G replaced by A.
Protein change: p.Gly725Arg; replaces glycine 725 with arginine.
Molecular consequence: missense variant.
Genome position (GRCh38, 1-based): chr2:17,781,385, G>A. VCF-style: chr2-17781385-G-A. GRCh37 (hg19) VCF-style: chr2-17962652-G-A.
Other names: c.2173G>A, p.Gly725Arg (NM_182625.5); short protein forms G725R.
Identifiers: ClinVar variation 4671477 (VCV004671477.1).

ClinVar aggregate classification (germline): Uncertain significance (1 of 4 stars; one submission).

gnomAD v4.1: 1 of 1,613,824 alleles (0.000062%); highest among the groups gnomAD compares: Non-Finnish European, 0.000085%; no homozygotes.

Submission:

Ambry Genetics
Classification: Uncertain significance. Last evaluated: 2025-10-22. Review status: criteria provided, single submitter. Criteria: Ambry Variant Classification Scheme 2023. Collection method: clinical testing. Allele origin: germline.
Comment: The p.G725R variant (also known as c.2173G>A), located in coding exon 13 of the GEN1 gene, results from a G to A substitution at nucleotide position 2173. The glycine at codon 725 is replaced by arginine, an amino acid with dissimilar properties. This amino acid position is conserved. In addition, this alteration is predicted to be tolerated by in silico analysis. Based on the available evidence, the clinical significance of this variant remains unclear.